The following is an entry in ClinVar:

NM_000455.5(STK11):c.681C>T (p.Gly227=)

Gene: STK11 (serine/threonine kinase 11; plus strand). Cytogenetic location: 19p13.3.
Variant type: single nucleotide variant.
Coding change: c.681C>T on transcript NM_000455.5 (MANE Select); coding-DNA position 681, C replaced by T.
Protein change: p.Gly227=; no amino-acid change (glycine 227 retained).
Molecular consequence: synonymous variant.
Genome position (GRCh38, 1-based): chr19:1,220,664, C>T. VCF-style: chr19-1220664-C-T. GRCh37 (hg19) VCF-style: chr19-1220663-C-T.
Identifiers: ClinVar variation 184473 (VCV000184473.5), dbSNP rs786201485, ClinGen allele CA023220.

ClinVar aggregate classification (germline): Benign/Likely benign. Review status: criteria provided, multiple submitters, no conflicts (2 of 4 stars). 3 submissions from 3 submitters: Benign (1); Likely benign (2). Last evaluated 2025-12-24.

Conditions:
Hereditary cancer-predisposing syndrome. Also called: Tumor predisposition; Hereditary Cancer Syndrome; Hereditary neoplastic syndrome; Neoplastic Syndromes, Hereditary. Identifiers: Orphanet 140162, MedGen C0027672, MeSH D009386, MONDO:0015356.
Peutz-Jeghers syndrome (PJS). Also called: POLYPOSIS, HAMARTOMATOUS INTESTINAL; POLYPS-AND-SPOTS SYNDROME; Peutz-Jeghers polyposis; Periorificial lentiginosis syndrome. Identifiers: Orphanet 2869, MedGen C0031269, MeSH D010580, MONDO:0008280, OMIM 175200.

Submissions (3):

Labcorp Genetics (formerly Invitae), Labcorp
Classification: Likely benign for Peutz-Jeghers syndrome. Last evaluated: 2025-12-24. Review status: criteria provided, single submitter. Criteria: Invitae Variant Classification Sherloc (09022015). Collection method: clinical testing. Allele origin: germline.

Myriad Genetics, Inc.
Classification: Benign for Peutz-Jeghers syndrome. Last evaluated: 2025-03-27. Review status: criteria provided, single submitter. Criteria: Myriad Autosomal Dominant, Autosomal Recessive and X-Linked Classification Criteria (2023). Collection method: clinical testing. Allele origin: unknown.
Comment: This variant is considered benign. This variant is a silent/synonymous amino acid change and it is not expected to impact splicing.

Ambry Genetics
Classification: Likely benign for Hereditary cancer-predisposing syndrome. Last evaluated: 2014-01-01. Review status: criteria provided, single submitter. Criteria: Ambry Autosomal Dominant and X-Linked criteria (10/2015). Collection method: clinical testing. Allele origin: germline. Observed: 1 variant allele.